The following is an entry in ClinVar:

NC_000013.10:g.(100764316_100807232)_(100809595_100861585)dup

Gene: PCCA (propionyl-CoA carboxylase subunit alpha; plus strand). Cytogenetic location: 13q32.3.
Variant type: Duplication.
Identifiers: ClinVar variation 3896558 (VCV003896558.2).

ClinVar aggregate classification (germline): Uncertain significance (1 of 4 stars; one submission).

Submission:

Women's Health and Genetics/Laboratory Corporation of America, LabCorp
Classification: Uncertain significance. Last evaluated: 2025-04-02. Review status: criteria provided, single submitter. Criteria: LabCorp Variant Classification Summary - May 2015. Collection method: clinical testing. Allele origin: germline.
Comment: Variant summary: The variant involves the duplication of exons 5-6 in the PCCA gene. A presumed nomenclature of c.(300+1_301-1)_(468+1_469-1)dup has been designated for the purposes of this classification. It is assumed to be a tandem duplication in direct orientation (PMIDs: 25640679, 30054569). This Copy Number Variant (CNV) is predicted to result in an in-frame duplication within this gene. The variant was absent in 21694 control chromosomes in the gnomAD database (Structural Variants v2.1 dataset). The available data on variant occurrences in the general population are insufficient to allow any conclusion about variant significance. To our knowledge, no occurrence of duplication of exons 5-6 in individuals affected with Propionic Acidemia and no experimental evidence demonstrating its impact on protein function have been reported. ClinVar contains an entry for this variant (Variation ID: 1480805). Based on the evidence outlined above, the variant was classified as uncertain significance.